The following is an entry in ClinVar:

ClinVar aggregate classification (germline): Uncertain significance (1 of 4 stars; one submission).

Submission:

Labcorp Genetics (formerly Invitae), Labcorp
Classification: Uncertain significance. Last evaluated: 2023-10-13. Review status: criteria provided, single submitter. Criteria: Invitae Variant Classification Sherloc (09022015). Collection method: clinical testing. Allele origin: germline.
Comment: This sequence change falls in intron 6 of the FH gene. It does not directly change the encoded amino acid sequence of the FH protein. This variant is not present in population databases (gnomAD no frequency). This variant has not been reported in the literature in individuals affected with FH-related conditions. Algorithms developed to predict the effect of sequence changes on RNA splicing suggest that this variant may create or strengthen a splice site. In summary, the available evidence is currently insufficient to determine the role of this variant in disease. Therefore, it has been classified as a Variant of Uncertain Significance.

NM_000143.4(FH):c.905-14_905-12del

Gene: FH (fumarate hydratase; minus strand). Cytogenetic location: 1q43.
Variant type: Deletion.
Coding change: c.905-14_905-12del on transcript NM_000143.4 (MANE Select); 14 bases into the intron before coding-DNA position 905 through 12 bases into the intron before coding-DNA position 905, 3 bases deleted (TTT; older notation c.905-14_905-12delTTT).
Molecular consequence: intron variant.
Genome position (GRCh38, 1-based): chr1:241,504,257-241,504,259, AAA deleted on the plus strand (TTT on the coding strand, the reverse complement: FH is on the minus strand); deleting any 3 consecutive bases within chr1:241,504,257-241,504,261 gives the same sequence; the c. name uses the placement nearest the transcript's 3' end. VCF-style (leftmost placement, unchanged base first): chr1-241504256-GAAA-G. GRCh37 (hg19) VCF-style: chr1-241667556-GAAA-G.
Identifiers: ClinVar variation 2767852 (VCV002767852.3), dbSNP rs2527319857, ClinGen allele CA2697547770.